The following is an entry in ClinVar:

NM_001267550.2(TTN):c.59767C>T (p.Gln19923Ter)

Genes: TTN (titin; minus strand), TTN-AS1 (TTN antisense RNA 1; plus strand), LOC126806424 (CDK7 strongly-dependent group 2 enhancer GRCh37_chr2:179456337-179457536; plus strand). Cytogenetic location: 2q31.2.
Variant type: single nucleotide variant.
Coding change: c.59767C>T on transcript NM_001267550.2 (MANE Select); coding-DNA position 59767, C replaced by T.
Protein change: p.Gln19923Ter; replaces glutamine 19923 with a stop codon.
Molecular consequence: nonsense.
Genome position (GRCh38, 1-based): chr2:178,592,137, G>A on the plus strand (C>T on the coding strand, the complement: TTN is on the minus strand). VCF-style: chr2-178592137-G-A. GRCh37 (hg19) VCF-style: chr2-179456864-G-A.
Other names: c.54844C>T, p.Gln18282Ter (NM_001256850.1); c.32572C>T, p.Gln10858Ter (NM_003319.4); c.52063C>T, p.Gln17355Ter (NM_133378.4); c.32947C>T, p.Gln10983Ter (NM_133432.3); c.33148C>T, p.Gln11050Ter (NM_133437.4); short protein forms Q18282*, Q11050*, Q10858*, Q19923*, Q10983*, Q17355*.
Identifiers: ClinVar variation 1729469 (VCV001729469.7), dbSNP rs2469513309, ClinGen allele CA349490501.

ClinVar aggregate classification (germline): Likely pathogenic. Review status: criteria provided, multiple submitters, no conflicts (2 of 4 stars). 2 submissions from 2 submitters: Likely pathogenic (2). Last evaluated 2024-12-04.

Conditions:
Autosomal recessive limb-girdle muscular dystrophy type 2J (LGMDR10). Also called: Limb-girdle muscular dystrophy, type 2J; MUSCULAR DYSTROPHY, LIMB-GIRDLE, AUTOSOMAL RECESSIVE 10. Identifiers: Orphanet 140922, MedGen C1837342, MONDO:0012127, OMIM 608807.
Dilated cardiomyopathy 1G (CMD1G). Identifiers: Orphanet 154, MedGen C1858763, MONDO:0011400, OMIM 604145.
Cardiovascular phenotype. Identifiers: MedGen CN230736.

Submissions (2):

Labcorp Genetics (formerly Invitae), Labcorp
Classification: Likely pathogenic for Dilated cardiomyopathy 1G; Autosomal recessive limb-girdle muscular dystrophy type 2J. Last evaluated: 2024-12-04. Review status: criteria provided, single submitter. Criteria: Invitae Variant Classification Sherloc (09022015). Collection method: clinical testing. Allele origin: germline.
Comment: This sequence change creates a premature translational stop signal (p.Gln19923*) in the TTN gene. While this is not anticipated to result in nonsense mediated decay, it is expected to create a truncated TTN protein. This variant is not present in population databases (gnomAD no frequency). This variant has not been reported in the literature in individuals affected with TTN-related conditions. ClinVar contains an entry for this variant (Variation ID: 1729469). This variant is located in the A band of TTN (PMID: 25589632). Truncating variants in this region are significantly overrepresented in patients affected with dilated cardiomyopathy (PMID: 25589632). Truncating variants in this region have also been reported in individuals affected with autosomal recessive centronuclear myopathy (PMID: 23975875). In summary, the currently available evidence indicates that the variant is pathogenic, but additional data are needed to prove that conclusively. Therefore, this variant has been classified as Likely Pathogenic.

Ambry Genetics
Classification: Likely pathogenic for Cardiovascular phenotype. Last evaluated: 2021-12-29. Review status: criteria provided, single submitter. Criteria: Ambry Variant Classification Scheme 2023. Collection method: clinical testing. Allele origin: germline.
Comment: The p.Q10858* variant (also known as c.32572C>T), located in coding exon 129 of the TTN gene, results from a C to T substitution at nucleotide position 32572. This changes the amino acid from a glutamine to a stop codon within coding exon 129. This exon is located in the A-band region of the N2-B isoform of the titin protein and is constitutively expressed in TTN transcripts (percent spliced in or PSI 100%). This alteration is expected to result in loss of function by premature protein truncation or nonsense-mediated mRNA decay. While truncating variants in TTN are present in 1-3% of the general population, truncating variants in the A-band are the most common cause of dilated cardiomyopathy (DCM) (Herman DS et al. N. Engl. J. Med., 2012 Feb;366:619-28; Roberts AM et al. Sci Transl Med, 2015 Jan;7:270ra6). TTN truncating variants encoded in constitutive exons (PSI >90%) have been found to be significantly associated with DCM regardless of their position in titin (Schafer S et al. Nat. Genet., 2017 01;49:46-53). As such, this alteration is classified as likely pathogenic.

Literature cited by the submitters: PubMed 25589632 (cited by Labcorp Genetics (formerly Invitae), Labcorp); PubMed 23975875 (cited by Labcorp Genetics (formerly Invitae), Labcorp).